The following is an entry in ClinVar:

ClinVar aggregate classification (germline): Uncertain significance (1 of 4 stars; one submission).

Conditions:
DICER1-related tumor predisposition. Also called: DICER1-related pleuropulmonary blastoma cancer predisposition syndrome; DICER1 syndrome. Identifiers: Orphanet 284343, MedGen C3839822, MONDO:0100216.

Submission:

Labcorp Genetics (formerly Invitae), Labcorp
Classification: Uncertain significance for DICER1-related tumor predisposition. Last evaluated: 2023-10-05. Review status: criteria provided, single submitter. Criteria: Invitae Variant Classification Sherloc (09022015). Collection method: clinical testing. Allele origin: germline.
Comment: This sequence change replaces valine, which is neutral and non-polar, with alanine, which is neutral and non-polar, at codon 288 of the DICER1 protein (p.Val288Ala). This variant is not present in population databases (gnomAD no frequency). This variant has not been reported in the literature in individuals affected with DICER1-related conditions. Advanced modeling of protein sequence and biophysical properties (such as structural, functional, and spatial information, amino acid conservation, physicochemical variation, residue mobility, and thermodynamic stability) performed at Invitae indicates that this missense variant is not expected to disrupt DICER1 protein function. In summary, the available evidence is currently insufficient to determine the role of this variant in disease. Therefore, it has been classified as a Variant of Uncertain Significance.

NM_177438.3(DICER1):c.863T>C (p.Val288Ala)

Gene: DICER1 (dicer 1, ribonuclease III; minus strand). Cytogenetic location: 14q32.13.
Variant type: single nucleotide variant.
Coding change: c.863T>C on transcript NM_177438.3 (MANE Select); coding-DNA position 863, T replaced by C.
Protein change: p.Val288Ala; replaces valine 288 with alanine.
Molecular consequence: missense variant. On other transcripts: non-coding transcript variant (6), 5 prime UTR variant (1).
Genome position (GRCh38, 1-based): chr14:95,126,620, A>G on the plus strand (T>C on the coding strand, the complement: DICER1 is on the minus strand). VCF-style: chr14-95126620-A-G. GRCh37 (hg19) VCF-style: chr14-95592957-A-G.
Other names: c.863T>C, p.Val288Ala (NM_001195573.1, NM_001271282.3, NM_001291628.2 and 15 more transcripts); c.581T>C, p.Val194Ala (NM_001395686.1); c.458T>C, p.Val153Ala (NM_001395687.1, NM_001395688.1, NM_001395689.1 and 3 more transcripts); c.296T>C, p.Val99Ala (NM_001395691.1); c.-706T>C (NM_001395697.1); short protein forms V194A, V99A, V153A, V288A.
Identifiers: ClinVar variation 2765008 (VCV002765008.3), dbSNP rs2543228458, ClinGen allele CA390887504.